The following is an entry in ClinVar:

ClinVar aggregate classification (germline): Uncertain significance. Review status: criteria provided, multiple submitters, no conflicts (2 of 4 stars). 2 submissions from 2 submitters: Uncertain significance (2). Last evaluated 2025-12-08.

Conditions:
Hereditary cancer-predisposing syndrome. Also called: Neoplastic Syndromes, Hereditary; Tumor predisposition; Hereditary Cancer Syndrome; Hereditary neoplastic syndrome. Identifiers: Orphanet 140162, MedGen C0027672, MeSH D009386, MONDO:0015356.
Gastrointestinal stromal tumor. Also called: Gastrointestinal stromal tumor, somatic; Gastrointestinal stroma tumor. Identifiers: Orphanet 44890, MedGen C0238198, MeSH D046152, MONDO:0011719, OMIM 606764, HP:0100723.

Submissions (2):

Labcorp Genetics (formerly Invitae), Labcorp
Classification: Uncertain significance for Gastrointestinal stromal tumor. Last evaluated: 2025-12-08. Review status: criteria provided, single submitter. Criteria: Invitae Variant Classification Sherloc (09022015). Collection method: clinical testing. Allele origin: germline.
Comment: This sequence change replaces threonine, which is neutral and polar, with isoleucine, which is neutral and non-polar, at codon 489 of the PDGFRA protein (p.Thr489Ile). This variant is not present in population databases (gnomAD no frequency). This variant has not been reported in the literature in individuals affected with PDGFRA-related conditions. ClinVar contains an entry for this variant (Variation ID: 1773263). An algorithm developed to predict the effect of missense changes on protein structure and function (PolyPhen-2) suggests that this variant is likely to be tolerated. In summary, the available evidence is currently insufficient to determine the role of this variant in disease. Therefore, it has been classified as a Variant of Uncertain Significance.

Ambry Genetics
Classification: Uncertain significance for Hereditary cancer-predisposing syndrome. Last evaluated: 2024-08-31. Review status: criteria provided, single submitter. Criteria: Ambry Variant Classification Scheme 2023. Collection method: clinical testing. Allele origin: germline.
Comment: The p.T489I variant (also known as c.1466C>T), located in coding exon 9 of the PDGFRA gene, results from a C to T substitution at nucleotide position 1466. The threonine at codon 489 is replaced by isoleucine, an amino acid with similar properties. This amino acid position is conserved. In addition, this alteration is predicted to be tolerated by in silico analysis. Since supporting evidence is limited at this time, the clinical significance of this alteration remains unclear.

NM_006206.6(PDGFRA):c.1466C>T (p.Thr489Ile)

Gene: PDGFRA (platelet derived growth factor receptor alpha; plus strand). Cytogenetic location: 4q12.
Variant type: single nucleotide variant.
Coding change: c.1466C>T on transcript NM_006206.6 (MANE Select); coding-DNA position 1466, C replaced by T.
Protein change: p.Thr489Ile; replaces threonine 489 with isoleucine.
Molecular consequence: missense variant.
Genome position (GRCh38, 1-based): chr4:54,273,638, C>T. VCF-style: chr4-54273638-C-T. GRCh37 (hg19) VCF-style: chr4-55139805-C-T.
Other names: c.1466C>T, p.Thr489Ile (NM_001347827.2, NM_001347829.2); c.1541C>T, p.Thr514Ile (NM_001347828.2); c.1505C>T, p.Thr502Ile (NM_001347830.2); short protein forms T489I, T502I, T514I.
Identifiers: ClinVar variation 1773263 (VCV001773263.8), dbSNP rs761961392, ClinGen allele CA356892623.